The following is an entry in ClinVar:

NM_001778.4(CD48):c.187G>A (p.Asp63Asn)

Gene: CD48 (CD48 molecule; minus strand). Cytogenetic location: 1q23.3.
Variant type: single nucleotide variant.
Coding change: c.187G>A on transcript NM_001778.4 (MANE Select); coding-DNA position 187, G replaced by A.
Protein change: p.Asp63Asn; replaces aspartic acid 63 with asparagine.
Molecular consequence: missense variant.
Genome position (GRCh38, 1-based): chr1:160,685,085, C>T on the plus strand (G>A on the coding strand, the complement: CD48 is on the minus strand). VCF-style: chr1-160685085-C-T. GRCh37 (hg19) VCF-style: chr1-160654875-C-T.
Other names: p.Asp63Asn; c.187G>A, p.Asp63Asn (NM_001256030.2); short protein forms D63N.
Identifiers: ClinVar variation 4541801 (VCV004541801.1).

ClinVar aggregate classification (germline): Uncertain significance (1 of 4 stars; one submission).

Submission:

Mayo Clinic Laboratories, Mayo Clinic
Classification: Uncertain significance. Last evaluated: 2025-06-15. Review status: criteria provided, single submitter. Criteria: ACMG Guidelines, 2015. Collection method: clinical testing. Allele origin: germline. Observed: 1 variant allele.
Comment: BP4_strong